The following is an entry in ClinVar:

ClinVar aggregate classification (germline): Uncertain significance (1 of 4 stars; one submission).

Conditions:
Combined immunodeficiency due to OX40 deficiency. Also called: OX40 DEFICIENCY; Immunodeficiency 16. Identifiers: Orphanet 431149, MedGen C3810053, MONDO:0014268, OMIM 615593.

Submission:

Labcorp Genetics (formerly Invitae), Labcorp
Classification: Uncertain significance for Combined immunodeficiency due to OX40 deficiency. Last evaluated: 2024-10-22. Review status: criteria provided, single submitter. Criteria: Invitae Variant Classification Sherloc (09022015). Collection method: clinical testing. Allele origin: germline.
Comment: This sequence change replaces arginine, which is basic and polar, with tryptophan, which is neutral and slightly polar, at codon 95 of the TNFRSF4 protein (p.Arg95Trp). This variant is present in population databases (rs752672557, gnomAD 0.006%). This variant has not been reported in the literature in individuals affected with TNFRSF4-related conditions. Invitae Evidence Modeling of protein sequence and biophysical properties (such as structural, functional, and spatial information, amino acid conservation, physicochemical variation, residue mobility, and thermodynamic stability) indicates that this missense variant is not expected to disrupt TNFRSF4 protein function with a negative predictive value of 80%. In summary, the available evidence is currently insufficient to determine the role of this variant in disease. Therefore, it has been classified as a Variant of Uncertain Significance.

NM_003327.4(TNFRSF4):c.283C>T (p.Arg95Trp)

Gene: TNFRSF4 (TNF receptor superfamily member 4; minus strand). Cytogenetic location: 1p36.33.
Variant type: single nucleotide variant.
Coding change: c.283C>T on transcript NM_003327.4 (MANE Select); coding-DNA position 283, C replaced by T.
Protein change: p.Arg95Trp; replaces arginine 95 with tryptophan.
Molecular consequence: missense variant.
Genome position (GRCh38, 1-based): chr1:1,213,079, G>A on the plus strand (C>T on the coding strand, the complement: TNFRSF4 is on the minus strand). VCF-style: chr1-1213079-G-A. GRCh37 (hg19) VCF-style: chr1-1148459-G-A.
Other names: c.283C>T, p.Arg95Trp (NM_001410709.1); short protein forms R95W.
Identifiers: ClinVar variation 3705222 (VCV003705222.2).
Genomic context (GRCh38, chr1:1,213,079, plus strand): 5'-GCTGGGTGCCCGCCCGGCAGCGGCAGACTGTGTCCTGTGTGGCCGTGCACAGCTGCTTCC[G>A]CTCACTCCCACTTCCTGAGCAGGGGCCGGATGGGGGGGTGGTCAGGTGGGGGCTGTGGAC-3'
Protein context (NP_003318.1, residues 85-105): TWCNLRSGSE[Arg95Trp]KQLCTATQDT